The following is an entry in ClinVar:

NM_022132.5(MCCC2):c.70del (p.His24fs)

Gene: MCCC2 (methylcrotonyl-CoA carboxylase subunit 2; plus strand). Cytogenetic location: 5q13.2.
Variant type: Deletion.
Coding change: c.70del on transcript NM_022132.5 (MANE Select); coding-DNA position 70, one base deleted (C; older notation c.70delC).
Protein change: p.His24fs; shifts the reading frame from histidine 24.
Molecular consequence: frameshift variant.
Genome position (GRCh38, 1-based): chr5:71,587,495, C deleted. VCF-style (leftmost placement, unchanged base first): chr5-71587494-TC-T. GRCh37 (hg19) VCF-style: chr5-70883321-TC-T.
Other names: c.70del, p.His24fs (NM_001363147.1); short protein forms H24fs.
Identifiers: ClinVar variation 2676494 (VCV002676494.2), dbSNP rs2530684428, ClinGen allele CA2674162002.
Genomic context (GRCh38, chr5:71,587,494, plus strand): 5'-CGTCCTGAGGTTAGCCCTGCGGCCGTGTGCCCGCGCCTCTCCCGCCGGGCCGCGCGCCTA[TC>T]ACGGGGACTCGGTGGCCTCGCTGGGCACCCAGCCGGACTTGGGCTCTGCCCTCTACCAGG-3'

ClinVar aggregate classification (germline): Pathogenic/Likely pathogenic. Review status: criteria provided, multiple submitters, no conflicts (2 of 4 stars). 2 submissions from 2 submitters: Pathogenic (1); Likely pathogenic (1). Last evaluated 2025-06-02.

Conditions:
3-methylcrotonyl-CoA carboxylase 2 deficiency. Also called: 3 alpha methylcrotonyl-CoA carboxylase 2 deficiency; 3 alpha methylcrotonylglycinuria 2; MCC 2 deficiency; Methylcrotonylglycinuria type 2; METHYLCROTONYLGLYCINURIA, TYPE II. Identifiers: Orphanet 6, MedGen C1859499, MONDO:0008862, OMIM 210210.

Allele frequency attached by ClinVar (database versions not stated): gnomAD exomes below 0.00001.

Submissions (2):

Myriad Genetics, Inc.
Classification: Pathogenic for 3-methylcrotonyl-CoA carboxylase 2 deficiency. Last evaluated: 2025-06-02. Review status: criteria provided, single submitter. Criteria: Myriad Autosomal Dominant, Autosomal Recessive and X-Linked Classification Criteria (2023). Collection method: clinical testing. Allele origin: unknown.
Comment: NM_022132.4(MCCC2):c.70delC(H24Tfs*26) is expected to be pathogenic in the context of 3-methylcrotonyl-CoA carboxylase deficiency, MCCC2-related. This variant is predicted to lead to an abnormal or absent protein product due to the creation of a premature termination codon in MCCC2, a gene where loss-of-function variants are known to be pathogenic. Please note: this variant was assessed in the context of healthy population screening.

Baylor Genetics
Classification: Likely pathogenic for 3-methylcrotonyl-CoA carboxylase 2 deficiency. Last evaluated: 2023-02-20. Review status: criteria provided, single submitter. Criteria: ACMG Guidelines, 2015. Collection method: clinical testing. Allele origin: unknown.